The following is an entry in ClinVar:

NM_017986.4(SLC52A1):c.928C>T (p.Arg310Cys)

Gene: SLC52A1 (solute carrier family 52 member 1; minus strand). Cytogenetic location: 17p13.2.
Variant type: single nucleotide variant.
Coding change: c.928C>T on transcript NM_017986.4 (MANE Select); coding-DNA position 928, C replaced by T.
Protein change: p.Arg310Cys; replaces arginine 310 with cysteine.
Molecular consequence: missense variant.
Genome position (GRCh38, 1-based): chr17:5,033,561, G>A on the plus strand (C>T on the coding strand, the complement: SLC52A1 is on the minus strand). VCF-style: chr17-5033561-G-A. GRCh37 (hg19) VCF-style: chr17-4936856-G-A.
Other names: c.928C>T, p.Arg310Cys (NM_001104577.2); c.928C>T (NM_001104577.1); short protein forms R310C.
Identifiers: ClinVar variation 527956 (VCV000527956.5), dbSNP rs778417188, ClinGen allele CA8319684.

ClinVar aggregate classification (germline): Uncertain significance. Review status: criteria provided, multiple submitters, no conflicts (2 of 4 stars). 2 submissions from 2 submitters: Uncertain significance (2). Last evaluated 2025-11-09.

Conditions:
Vitamin B2 deficiency. Identifiers: MedGen C0035528.

Allele frequency attached by ClinVar (database versions not stated): ExAC 0.00001; gnomAD 0.00001; gnomAD exomes 0.00002; TOPMed 0.00002.
gnomAD v4.1: 12 of 1,613,752 alleles (0.00074%); highest among the groups gnomAD compares: Admixed American, 0.005%; no homozygotes.

Submissions (2):

Labcorp Genetics (formerly Invitae), Labcorp
Classification: Uncertain significance for Vitamin B2 deficiency. Last evaluated: 2025-11-09. Review status: criteria provided, single submitter. Criteria: Invitae Variant Classification Sherloc (09022015). Collection method: clinical testing. Allele origin: germline.
Comment: This sequence change replaces arginine, which is basic and polar, with cysteine, which is neutral and slightly polar, at codon 310 of the SLC52A1 protein (p.Arg310Cys). This variant is present in population databases (rs778417188, gnomAD 0.006%). This variant has not been reported in the literature in individuals affected with SLC52A1-related conditions. ClinVar contains an entry for this variant (Variation ID: 527956). Invitae Evidence Modeling of protein sequence and biophysical properties (such as structural, functional, and spatial information, amino acid conservation, physicochemical variation, residue mobility, and thermodynamic stability) indicates that this missense variant is not expected to disrupt SLC52A1 protein function with a negative predictive value of 80%. In summary, the available evidence is currently insufficient to determine the role of this variant in disease. Therefore, it has been classified as a Variant of Uncertain Significance.

Ambry Genetics
Classification: Uncertain significance. Last evaluated: 2025-08-13. Review status: criteria provided, single submitter. Criteria: Ambry Variant Classification Scheme 2023. Collection method: clinical testing. Allele origin: germline.